The following is an entry in ClinVar:

ClinVar aggregate classification (germline): Conflicting classifications of pathogenicity. Review status: criteria provided, conflicting classifications (1 of 4 stars). 2 submissions from 2 submitters: Likely pathogenic (1); Uncertain significance (1). Last evaluated 2025-10-07.

Conditions:
Hereditary nonpolyposis colorectal neoplasms. Identifiers: MedGen C0009405, MeSH D003123.
Hereditary cancer-predisposing syndrome. Also called: Hereditary Cancer Syndrome; Tumor predisposition; Neoplastic Syndromes, Hereditary; Hereditary neoplastic syndrome. Identifiers: Orphanet 140162, MedGen C0027672, MeSH D009386, MONDO:0015356.

Submissions (2):

Labcorp Genetics (formerly Invitae), Labcorp
Classification: Uncertain significance for Hereditary nonpolyposis colorectal neoplasms. Last evaluated: 2025-10-07. Review status: criteria provided, single submitter. Criteria: Invitae Variant Classification Sherloc (09022015). Collection method: clinical testing. Allele origin: germline.
Comment: This sequence change falls in intron 8 of the MSH6 gene. It does not directly change the encoded amino acid sequence of the MSH6 protein. This variant is not present in population databases (gnomAD no frequency). This variant has not been reported in the literature in individuals affected with MSH6-related conditions. ClinVar contains an entry for this variant (Variation ID: 1542763). Algorithms developed to predict the effect of sequence changes on RNA splicing suggest that this variant may disrupt the consensus splice site. In summary, the available evidence is currently insufficient to determine the role of this variant in disease. Therefore, it has been classified as a Variant of Uncertain Significance.

Ambry Genetics
Classification: Likely pathogenic for Hereditary cancer-predisposing syndrome. Last evaluated: 2024-08-09. Review status: criteria provided, single submitter. Criteria: Ambry Variant Classification Scheme 2023. Collection method: clinical testing. Allele origin: germline.
Comment: The c.3802-18A>G intronic variant results from an A to G substitution 18 nucleotides upstream from coding exon 9 in the MSH6 gene. This nucleotide position is conserved through mammals. In silico splice site analysis for this alteration is inconclusive. RNA studies have demonstrated that this alteration results in abnormal splicing in the set of samples tested (Ambry internal data). This variant is considered to be rare based on population cohorts in the Genome Aggregation Database (gnomAD). Based on the majority of available evidence to date, this variant is likely to be pathogenic.

NM_000179.3(MSH6):c.3802-18A>G

Gene: MSH6 (mutS homolog 6; plus strand). Cytogenetic location: 2p16.3.
Variant type: single nucleotide variant.
Coding change: c.3802-18A>G on transcript NM_000179.3 (MANE Select); 18 bases into the intron before coding-DNA position 3802, A replaced by G.
Molecular consequence: intron variant.
Genome position (GRCh38, 1-based): chr2:47,806,434, A>G. VCF-style: chr2-47806434-A-G. GRCh37 (hg19) VCF-style: chr2-48033573-A-G.
Other names: c.3802-18A>G (NM_000179.2); c.2896-18A>G (NM_001281493.2, NM_001281494.2); c.3412-18A>G (NM_001281492.2).
Identifiers: ClinVar variation 1542763 (VCV001542763.9), dbSNP rs1553333276, ClinGen allele CA2573134780.